The following is an entry in ClinVar:

ClinVar aggregate classification (germline): Uncertain significance (1 of 4 stars; one submission).

Conditions:
PURA-related severe neonatal hypotonia-seizures-encephalopathy syndrome (NEDRIHF). Also called: PURA-Related Neurodevelopmental Disorders; NEURODEVELOPMENTAL DISORDER WITH NEONATAL RESPIRATORY INSUFFICIENCY, HYPOTONIA, AND FEEDING DIFFICULTIES. Identifiers: Orphanet 438213, Orphanet 438216, MedGen C4015357, MONDO:1060108, OMIM 616158, MONDO:0018580.

Allele frequency attached by ClinVar (database versions not stated): gnomAD exomes 0.00001.
gnomAD v4.1: 6 of 1,209,818 alleles (0.0005%); highest among the groups gnomAD compares: African/African-American, 0.0016%; no homozygotes.

Submission:

Labcorp Genetics (formerly Invitae), Labcorp
Classification: Uncertain significance for PURA-related severe neonatal hypotonia-seizures-encephalopathy syndrome. Last evaluated: 2023-07-21. Review status: criteria provided, single submitter. Criteria: Invitae Variant Classification Sherloc (09022015). Collection method: clinical testing. Allele origin: germline.
Comment: In summary, the available evidence is currently insufficient to determine the role of this variant in disease. Therefore, it has been classified as a Variant of Uncertain Significance. This variant has not been reported in the literature in individuals affected with PURA-related conditions. The frequency data for this variant in the population databases is considered unreliable, as metrics indicate insufficient coverage at this position in the gnomAD database. This sequence change affects codon 26 of the PURA mRNA. It is a 'silent' change, meaning that it does not change the encoded amino acid sequence of the PURA protein.

NM_005859.5(PURA):c.78G>A (p.Ser26=)

Gene: PURA (purine rich element binding protein A; plus strand). Cytogenetic location: 5q31.3.
Variant type: single nucleotide variant.
Coding change: c.78G>A on transcript NM_005859.5 (MANE Select); coding-DNA position 78, G replaced by A.
Protein change: p.Ser26=; no amino-acid change (serine 26 retained).
Molecular consequence: synonymous variant.
Genome position (GRCh38, 1-based): chr5:140,114,259, G>A. VCF-style: chr5-140114259-G-A. GRCh37 (hg19) VCF-style: chr5-139493844-G-A.
Identifiers: ClinVar variation 2797171 (VCV002797171.3), dbSNP rs1156498095, ClinGen allele CA446758425.